The following is an entry in ClinVar:

NM_001110556.2(FLNA):c.6301A>G (p.Thr2101Ala)

Gene: FLNA (filamin A; minus strand). Cytogenetic location: Xq28.
Variant type: single nucleotide variant.
Coding change: c.6301A>G on transcript NM_001110556.2 (MANE Select); coding-DNA position 6301, A replaced by G.
Protein change: p.Thr2101Ala; replaces threonine 2101 with alanine.
Molecular consequence: missense variant.
Genome position (GRCh38, 1-based): chrX:154,352,850, T>C on the plus strand (A>G on the coding strand, the complement: FLNA is on the minus strand). VCF-style: chrX-154352850-T-C. GRCh37 (hg19) VCF-style: chrX-153581218-T-C.
Other names: c.6277A>G, p.Thr2093Ala (NM_001456.4); short protein forms T2101A, T2093A.
Identifiers: ClinVar variation 4794175 (VCV004794175.1).

ClinVar aggregate classification (germline): Uncertain significance (1 of 4 stars; one submission).

Conditions:
Heterotopia, periventricular, X-linked dominant (PVNH1). Also called: PERIVENTRICULAR NODULAR HETEROTOPIA 1; X-linked periventricular heterotopia; PERIVENTRICULAR NODULAR HETEROTOPIA 4; HETEROTOPIA, PERIVENTRICULAR, 1. Identifiers: Orphanet 2149, Orphanet 82004, MedGen C1848213, MONDO:0010233, OMIM 300049.
Melnick-Needles syndrome (MNS). Also called: MELNICK-NEEDLES OSTEODYSPLASTY; OSTEODYSPLASTY OF MELNICK AND NEEDLES; Melnick-Needles Syndrome (FLNA-MNS). Identifiers: Orphanet 2484, MedGen C0025237, MONDO:0010650, OMIM 309350.
Frontometaphyseal dysplasia (FMD1). Identifiers: Orphanet 1826, MedGen C0265293, MONDO:0015942.
Oto-palato-digital syndrome, type II (OPD2). Also called: FACIOPALATOOSSEOUS SYNDROME; OPD II SYNDROME; Otopalatodigital Syndrome Type 2 (FLNA-OPD2); Otopalatodigital Syndrome, Type II. Identifiers: Orphanet 669, Orphanet 90652, MedGen C1844696, MONDO:0010571, OMIM 304120.

Submission:

Labcorp Genetics (formerly Invitae), Labcorp
Classification: Uncertain significance for Oto-palato-digital syndrome, type II; Heterotopia, periventricular, X-linked dominant; Frontometaphyseal dysplasia; Melnick-Needles syndrome. Last evaluated: 2025-02-15. Review status: criteria provided, single submitter. Criteria: Invitae Variant Classification Sherloc (09022015). Collection method: clinical testing. Allele origin: germline.
Comment: This sequence change replaces threonine, which is neutral and polar, with alanine, which is neutral and non-polar, at codon 2093 of the FLNA protein (p.Thr2093Ala). This variant is not present in population databases (gnomAD no frequency). This variant has not been reported in the literature in individuals affected with FLNA-related conditions. Invitae Evidence Modeling of protein sequence and biophysical properties (such as structural, functional, and spatial information, amino acid conservation, physicochemical variation, residue mobility, and thermodynamic stability) indicates that this missense variant is not expected to disrupt FLNA protein function with a negative predictive value of 95%. In summary, the available evidence is currently insufficient to determine the role of this variant in disease. Therefore, it has been classified as a Variant of Uncertain Significance.